The following is an entry in ClinVar:

ClinVar aggregate classification (germline): Uncertain significance (1 of 4 stars; one submission).

Conditions:
Aortic aneurysm, familial thoracic 7 (AAT7). Also called: AORTIC DISSECTION, FAMILIAL, WITH OR WITHOUT AORTIC ANEURYSM. Identifiers: MedGen C3151077, MONDO:0013418, OMIM 613780.

Allele frequency attached by ClinVar (database versions not stated): gnomAD exomes below 0.00001; TOPMed below 0.00001; ExAC 0.00001.
gnomAD v4.1: 18 of 1,614,226 alleles (0.0011%); highest among the groups gnomAD compares: Non-Finnish European, 0.0015%; no homozygotes.

Submission:

Labcorp Genetics (formerly Invitae), Labcorp
Classification: Uncertain significance for Aortic aneurysm, familial thoracic 7. Last evaluated: 2021-09-01. Review status: criteria provided, single submitter. Criteria: Invitae Variant Classification Sherloc (09022015). Collection method: clinical testing. Allele origin: germline.
Comment: This sequence change replaces lysine with asparagine at codon 1738 of the MYLK protein (p.Lys1738Asn). The lysine residue is highly conserved and there is a moderate physicochemical difference between lysine and asparagine. This variant is present in population databases (rs761266023, ExAC 0.001%). This variant has not been reported in the literature in individuals affected with MYLK-related conditions. Algorithms developed to predict the effect of missense changes on protein structure and function are either unavailable or do not agree on the potential impact of this missense change (SIFT: "Deleterious"; PolyPhen-2: "Benign"; Align-GVGD: "Class C0"). In summary, the available evidence is currently insufficient to determine the role of this variant in disease. Therefore, it has been classified as a Variant of Uncertain Significance.

NM_053025.4(MYLK):c.5214G>C (p.Lys1738Asn)

Genes: MYLK-AS1 (MYLK antisense RNA 1; plus strand), MYLK (myosin light chain kinase; minus strand). Cytogenetic location: 3q21.1.
Variant type: single nucleotide variant.
Coding change: c.5214G>C on transcript NM_053025.4 (MANE Select); coding-DNA position 5214, G replaced by C.
Protein change: p.Lys1738Asn; replaces lysine 1738 with asparagine.
Molecular consequence: missense variant.
Genome position (GRCh38, 1-based): chr3:123,626,842, C>G on the plus strand (G>C on the coding strand, the complement: MYLK is on the minus strand). VCF-style: chr3-123626842-C-G. GRCh37 (hg19) VCF-style: chr3-123345689-C-G.
Other names: c.4686G>C, p.Lys1562Asn (NM_001321309.2); c.5007G>C, p.Lys1669Asn (NM_053026.4); c.5061G>C, p.Lys1687Asn (NM_053027.4); c.4854G>C, p.Lys1618Asn (NM_053028.4); short protein forms K1738N, K1562N, K1669N, K1687N, K1618N.
Identifiers: ClinVar variation 471735 (VCV000471735.6), dbSNP rs761266023, ClinGen allele CA072639.